The following is an entry in ClinVar:

ClinVar aggregate classification (germline): Likely benign. Review status: criteria provided, multiple submitters, no conflicts (2 of 4 stars). 2 submissions from 2 submitters: Likely benign (2). Last evaluated 2026-01-26.

Conditions:
Emery-Dreifuss muscular dystrophy 4, autosomal dominant (EDMD4). Also called: EMERY-DREIFUSS MUSCULAR DYSTROPHY 4 WITH VARIABLE FEATURES. Identifiers: Orphanet 261, MedGen C2751807, MONDO:0013071, OMIM 612998.
Autosomal recessive ataxia, Beauce type. Also called: ATAXIA, RECESSIVE, OF BEAUCE; SYNE1-Related Autosomal Recessive Cerebellar Ataxia; Spinocerebellar ataxia, autosomal recessive 8; SYNE1 Deficiency. Identifiers: Orphanet 88644, MedGen C1853116, MONDO:0012549, OMIM 610743.

Allele frequency attached by ClinVar (database versions not stated): gnomAD below 0.00001 and 0.00006; TOPMed 0.00001; gnomAD exomes 0.00007 and 0.00015; ExAC 0.00022; 1000 Genomes Project 30x 0.00078; 1000 Genomes Project 0.00100.
gnomAD v4.1: 110 of 1,540,976 alleles (0.0071%); highest among the groups gnomAD compares: South Asian, 0.13%; 1 homozygote.

Submissions (2):

Labcorp Genetics (formerly Invitae), Labcorp
Classification: Likely benign for Emery-Dreifuss muscular dystrophy 4, autosomal dominant; Autosomal recessive ataxia, Beauce type. Last evaluated: 2026-01-26. Review status: criteria provided, single submitter. Criteria: Invitae Variant Classification Sherloc (09022015). Collection method: clinical testing. Allele origin: germline.

GeneDx
Classification: Likely benign. Last evaluated: 2016-08-03. Review status: criteria provided, single submitter. Criteria: GeneDx Variant Classification (06012015). Collection method: clinical testing. Allele origin: germline. Affected: yes.
Comment: This variant is considered likely benign or benign based on one or more of the following criteria: it is a conservative change, it occurs at a poorly conserved position in the protein, it is predicted to be benign by multiple in silico algorithms, and/or has population frequency not consistent with disease.

NM_182961.4(SYNE1):c.939+14A>T

Gene: SYNE1 (spectrin repeat containing nuclear envelope protein 1; minus strand). Cytogenetic location: 6q25.2.
Variant type: single nucleotide variant.
Coding change: c.939+14A>T on transcript NM_182961.4 (MANE Select); 14 bases into the intron after coding-DNA position 939, A replaced by T.
Molecular consequence: intron variant.
Genome position (GRCh38, 1-based): chr6:152,498,728, T>A on the plus strand (A>T on the coding strand, the complement: SYNE1 is on the minus strand). VCF-style: chr6-152498728-T-A. GRCh37 (hg19) VCF-style: chr6-152819863-T-A.
Other names: c.960+14A>T (NM_033071.5).
Identifiers: ClinVar variation 388009 (VCV000388009.6), dbSNP rs531123529, ClinGen allele CA4059573.
Genomic context (GRCh38, chr6:152,498,728, plus strand): 5'-AGGGAATGACTAAAATGCTACAGAATGCAGGATGTTTGAAAGAGGTCATCAATGCAAGAT[T>A]ACTTAAATCTTACCTTAAAATTTTGTACAGAATTTGCAAAAGATGGGAAACCTGGAAGTA-3'